The following is an entry in ClinVar:

ClinVar aggregate classification (germline): Uncertain significance (1 of 4 stars; one submission).

Conditions:
Neurofibromatosis, type 1 (NF1). Also called: Peripheral type neurofibromatosis; Neurofibromatosis, type I; NEUROFIBROMATOSIS, TYPE I, SOMATIC; VON RECKLINGHAUSEN DISEASE. Identifiers: Orphanet 636, MedGen C0027831, MONDO:0018975, OMIM 162200. Disease mechanism: loss of function.

Submission:

Labcorp Genetics (formerly Invitae), Labcorp
Classification: Uncertain significance for Neurofibromatosis, type 1. Last evaluated: 2021-08-02. Review status: criteria provided, single submitter. Criteria: Invitae Variant Classification Sherloc (09022015). Collection method: clinical testing. Allele origin: germline.
Comment: In summary, the available evidence is currently insufficient to determine the role of this variant in disease. Therefore, it has been classified as a Variant of Uncertain Significance. This variant has not been reported in the literature in individuals affected with NF1-related conditions. Advanced modeling of protein sequence and biophysical properties (such as structural, functional, and spatial information, amino acid conservation, physicochemical variation, residue mobility, and thermodynamic stability) performed at Invitae indicates that this missense variant is not expected to disrupt NF1 protein function. This variant is not present in population databases (ExAC no frequency). This sequence change replaces glutamine with leucine at codon 2768 of the NF1 protein (p.Gln2768Leu). The glutamine residue is moderately conserved and there is a moderate physicochemical difference between glutamine and leucine.

NM_001042492.3(NF1):c.8366A>T (p.Gln2789Leu)

Gene: NF1 (neurofibromin 1; plus strand). Cytogenetic location: 17q11.2.
Variant type: single nucleotide variant.
Coding change: c.8366A>T on transcript NM_001042492.3 (MANE Select); coding-DNA position 8366, A replaced by T.
Protein change: p.Gln2789Leu; replaces glutamine 2789 with leucine.
Molecular consequence: missense variant.
Genome position (GRCh38, 1-based): chr17:31,360,692, A>T. VCF-style: chr17-31360692-A-T. GRCh37 (hg19) VCF-style: chr17-29687710-A-T.
Other names: c.8303A>T, p.Gln2768Leu (NM_000267.4); short protein forms Q2768L, Q2789L.
Identifiers: ClinVar variation 1371093 (VCV001371093.6), dbSNP rs1454723879, ClinGen allele CA399205113.